The following is an entry in ClinVar:

NM_003052.5(SLC34A1):c.454_480dup (p.Val152_Val160dup)

Gene: SLC34A1 (solute carrier family 34 member 1; plus strand). Cytogenetic location: 5q35.3.
Variant type: Duplication.
Coding change: c.454_480dup on transcript NM_003052.5 (MANE Select); coding-DNA positions 454 to 480, 27 bases duplicated (GTGGGGATCCTGGTGACCGTGCTGGTG).
Protein change: p.Val152_Val160dup.
Molecular consequence: inframe insertion.
Genome position (GRCh38, 1-based): chr5:177,386,488-177,386,514, GTGGGGATCCTGGTGACCGTGCTGGTG duplicated; duplicating any 27 consecutive bases within chr5:177,386,481-177,386,514 gives the same sequence; the c. name uses the placement nearest the transcript's 3' end. VCF-style (leftmost placement, unchanged base first): chr5-177386480-G-GGCTGGTGGTGGGGATCCTGGTGACCGT. GRCh37 (hg19) VCF-style: chr5-176813481-G-GGCTGGTGGTGGGGATCCTGGTGACCGT.
Other names: c.454_480dup, p.Val152_Val160dup (NM_001167579.2).
Identifiers: ClinVar variation 975094 (VCV000975094.26), dbSNP rs777543926, ClinGen allele CA3580391.

ClinVar aggregate classification (germline): Pathogenic/Likely pathogenic. Review status: criteria provided, multiple submitters, no conflicts (2 of 4 stars). 3 submissions from 3 submitters: Pathogenic (1); Likely pathogenic (2). Last evaluated 2026-05-01.

Conditions:
Hypophosphatemic nephrolithiasis/osteoporosis 1. Identifiers: Orphanet 244305, MedGen C2676786, MONDO:0012850, OMIM 612286.
Fanconi renotubular syndrome 2 (FRTS2). Identifiers: MedGen C3150652, MONDO:0013247, OMIM 613388.
Hypercalcemia, infantile, 2 (HCINF2). Identifiers: Orphanet 300547, MedGen C4310473, MONDO:0014851, OMIM 616963.

Submissions (3):

CeGaT Center for Human Genetics Tuebingen
Classification: Likely pathogenic. Last evaluated: 2026-05-01. Review status: criteria provided, single submitter. Criteria: CeGaT Center For Human Genetics Tuebingen Variant Classification Criteria Version 2. Collection method: clinical testing. Allele origin: germline. Affected: yes. Observed: 3 variant alleles.
Comment: SLC34A1: PM1, PM2, PM4

Rare Kidney Stone Consortium and the Mayo Clinic Hyperoxaluria Center, Mayo Clinic
Classification: Pathogenic for Fanconi renotubular syndrome 2; Hypercalcemia, infantile, 2; Hypophosphatemic nephrolithiasis/osteoporosis 1. Last evaluated: 2025-10-03. Review status: criteria provided, single submitter. Criteria: ACMG Guidelines, 2015. Collection method: research. Allele origin: germline. Observed: 1 variant allele.
Comment: ACMG:PM1, PM4, PP5

Victorian Clinical Genetics Services, Murdoch Childrens Research Institute
Classification: Likely pathogenic for Hypercalcemia, infantile, 2. Last evaluated: 2019-03-20. Review status: criteria provided, single submitter. Criteria: ACMG Guidelines, 2015. Collection method: clinical testing. Allele origin: unknown. Affected: yes.
Comment: A heterozygous inframe insertion variant, NM_003052.5(SLC34A1):c.454_480dup, has been identified in exon 5 of 13 of the SLC34A1 gene. The variant is predicted to result in an inframe insertion of multiple amino acids (NP_003043.3(SLC34A1):p.(Val152_Val160dup)). The residues at this position have high conservation (100 vertebrates, UCSC), and are located within the Na+/Pi-cotransporter functional domain. The variant is present in the gnomAD database at a frequency of 0.00119% (3 heterozygotes, 0 homozygotes). This variant has not been previously reported in clinical cases. An alternative inframe duplication, completely encompassed within our inframe variant, has also been reported in several patients with idiopathic infantile hypercalcaemia and renal falconi syndrome (ClinVar, Demir, K., et al. (2017)). Based on the information available at the time of curation, this variant has been classified as LIKELY PATHOGENIC.

Literature cited by the submitters: PubMed 40794449 (cited by Rare Kidney Stone Consortium and the Mayo Clinic Hyperoxaluria Center, Mayo Clinic).